The following is an entry in ClinVar:

NM_194248.3(OTOF):c.3332C>T (p.Pro1111Leu)

Gene: OTOF (otoferlin; minus strand). Cytogenetic location: 2p23.3.
Variant type: single nucleotide variant.
Coding change: c.3332C>T on transcript NM_194248.3 (MANE Select); coding-DNA position 3332, C replaced by T.
Protein change: p.Pro1111Leu; replaces proline 1111 with leucine.
Molecular consequence: missense variant.
Genome position (GRCh38, 1-based): chr2:26,474,067, G>A on the plus strand (C>T on the coding strand, the complement: OTOF is on the minus strand). VCF-style: chr2-26474067-G-A. GRCh37 (hg19) VCF-style: chr2-26696935-G-A.
Other names: c.3332C>T, p.Pro1111Leu (NM_001287489.2); c.1091C>T, p.Pro364Leu (NM_004802.4, NM_194323.3); c.1262C>T, p.Pro421Leu (NM_194322.3); short protein forms P1111L, P421L, P364L.
Identifiers: ClinVar variation 178508 (VCV000178508.22), dbSNP rs141972928, ClinGen allele CA182460.
Genomic context (GRCh38, chr2:26,474,067, plus strand): 5'-CTGAGCACGGGCCGGATGCCCATGGGCACGGGCATGATGGGACCTCGGTCCACGTCCACC[G>A]GGCCATTGATGGGGGGCAGGTCAGCCTTCCCTGCTGGTCCAATCTGGGGAATGGGGGTCA-3'
Protein context (NP_919224.1, residues 1101-1121): GKADLPPING[Pro1111Leu]VDVDRGPIMP

ClinVar aggregate classification (germline): Conflicting classifications of pathogenicity. Review status: criteria provided, conflicting classifications (1 of 4 stars). 7 submissions from 7 submitters: Pathogenic (1); Likely pathogenic (1); Uncertain significance (4); Likely benign (1). Last evaluated 2026-05-11.

Conditions:
OTOF-related disorder. Also called: OTOF-related condition.
Autosomal recessive nonsyndromic hearing loss 9. Also called: NEUROSENSORY NONSYNDROMIC RECESSIVE DEAFNESS 9; AUDITORY NEUROPATHY, AUTOSOMAL RECESSIVE, 1, TEMPERATURE-SENSITIVE; OTOF-Related Hearing Loss; Deafness, autosomal recessive 9. Identifiers: Orphanet 90636, MedGen C1832828, MONDO:0010986, OMIM 601071.

Allele frequency attached by ClinVar (database versions not stated): 1000 Genomes Project 30x 0.00016; 1000 Genomes Project 0.00020; TOPMed 0.00031; gnomAD 0.00034 and 0.00038; ESP Exome Variant Server 0.00046.
gnomAD v4.1: 121 of 1,613,012 alleles (0.0075%); highest among the groups gnomAD compares: African/African-American, 0.096%; no homozygotes.

Submissions (7):

PreventionGenetics, part of Exact Sciences
Classification: Uncertain significance for OTOF-related condition. Last evaluated: 2026-05-11. Review status: criteria provided, single submitter. Criteria: ACMG Guidelines, 2015. Collection method: clinical testing. Allele origin: germline.
Comment: The OTOF c.3332C>T variant is predicted to result in the amino acid substitution p.Pro1111Leu. This variant was reported in the compound heterozygous state with a pathogenic variant in an individual with hearing loss (Table S3, Batissoco et al. 2022. PubMed ID: 34599368). This variant is reported in 0.081% of alleles in individuals of African descent in gnomAD. At this time, the clinical significance of this variant is uncertain due to the absence of conclusive functional and genetic evidence.

Labcorp Genetics (formerly Invitae), Labcorp
Classification: Likely benign. Last evaluated: 2026-01-31. Review status: criteria provided, single submitter. Criteria: Invitae Variant Classification Sherloc (09022015). Collection method: clinical testing. Allele origin: germline.

CeGaT Center for Human Genetics Tuebingen
Classification: Uncertain significance. Last evaluated: 2025-09-01. Review status: criteria provided, single submitter. Criteria: CeGaT Center For Human Genetics Tuebingen Variant Classification Criteria Version 2. Collection method: clinical testing. Allele origin: germline. Affected: yes. Observed: 1 variant allele.
Comment: OTOF: PM2, PM3

Blueprint Genetics
Classification: Likely pathogenic for OTOF-related disorders. Last evaluated: 2024-05-02. Review status: criteria provided, single submitter. Criteria: ACMG Guidelines, 2015. Collection method: clinical testing. Allele origin: germline. Affected: yes. Observed: 5 variant alleles.

GeneDx
Classification: Uncertain significance. Last evaluated: 2024-01-09. Review status: criteria provided, single submitter. Criteria: GeneDx Variant Classification Process June 2021. Collection method: clinical testing. Allele origin: germline. Affected: yes.
Comment: In silico analysis supports that this missense variant has a deleterious effect on protein structure/function; This variant is associated with the following publications: (PMID: 34599368)

Laboratory for Molecular Medicine, Mass General Brigham Personalized Medicine
Classification: Uncertain significance. Last evaluated: 2014-07-01. Review status: criteria provided, single submitter. Criteria: LMM Criteria. Collection method: clinical testing. Allele origin: germline. Observed: 1 variant allele.
Comment: The Pro1111Leu variant in OTOF has not been previously reported in individuals w ith hearing loss, but has been identified in 0.14% (6/4406) of African American chromosomes by the NHLBI Exome Sequencing Project (EVS/; dbSNP rs141972928). Computational prediction tools and conservation analys is suggest that this variant may impact the protein, though this information is not predictive enough to determine pathogenicity. In summary, additional informa tion is needed to fully assess the clinical significance of this variant.

Laboratory of Molecular, Cellular and Translation Genetics in Otolaryngology/ Lim32-hcfmusp, University of Sao Paulo School of Medicine Clinics Hospital
Classification: Pathogenic for Autosomal recessive nonsyndromic hearing loss 9. Review status: criteria provided, single submitter. Criteria: ClinGen HL ACMG Specifications v1. Collection method: research. Allele origin: germline. Inheritance: Autosomal recessive inheritance. Affected: yes. Observed: 1 variant allele, 1 compound heterozygote.

Literature cited by the submitters: PubMed 34599368 (cited by Laboratory of Molecular, Cellular and Translation Genetics in Otolaryngology/ Lim32-hcfmusp, University of Sao Paulo School of Medicine Clinics Hospital).